The following is an entry in ClinVar:

NM_004168.4(SDHA):c.1598AAG[1] (p.Glu534del)

Gene: SDHA (succinate dehydrogenase complex flavoprotein subunit A; plus strand). Cytogenetic location: 5p15.33.
Variant type: Microsatellite.
Coding change: c.1598AAG[1] on transcript NM_004168.4 (MANE Select); one copy of the 3-base unit AAG starting at c.1598; the reference has two copies in a row; one copy, 3 bases deleted.
Protein change: p.Glu534del; deletes glutamic acid 534.
Molecular consequence: inframe deletion. On other transcripts: intron variant (1).
Genome position (GRCh38, 1-based): chr5:251,041-251,043, AAG deleted; deleting any 3 consecutive bases within chr5:251,038-251,043 gives the same sequence; the position shown is the placement nearest the transcript's 3' end. VCF-style (leftmost placement, unchanged base first): chr5-251037-CAAG-C. GRCh37 (hg19) VCF-style: chr5-251152-CAAG-C.
Other names: c.1601_1603delAAG (NM_004168.2); c.1454AAG[1], p.Glu486del (NM_001294332.2); c.1552-3352_1552-3350del (NM_001330758.2); short protein forms E534del, E486del.
Identifiers: ClinVar variation 966601 (VCV000966601.9), dbSNP rs1736788779, ClinGen allele CA1521997198.

ClinVar aggregate classification (germline): Uncertain significance. Review status: criteria provided, multiple submitters, no conflicts (2 of 4 stars). 2 submissions from 2 submitters: Uncertain significance (2). Last evaluated 2024-11-18.

Conditions:
Mitochondrial complex II deficiency, nuclear type 1. Also called: SUCCINATE CoQ REDUCTASE DEFICIENCY. Identifiers: Orphanet 3208, MedGen C5700310, MONDO:0100294, OMIM 252011.
Pheochromocytoma/paraganglioma syndrome 5. Also called: Paragangliomas 5; SDHA-Related Hereditary Paraganglioma-Pheochromocytoma Syndrome. Identifiers: Orphanet 29072, MedGen C3279992, MONDO:0013602, OMIM 614165.
Hereditary cancer-predisposing syndrome. Also called: Hereditary Cancer Syndrome; Neoplastic Syndromes, Hereditary; Tumor predisposition; Hereditary neoplastic syndrome. Identifiers: Orphanet 140162, MedGen C0027672, MeSH D009386, MONDO:0015356.

Submissions (2):

Labcorp Genetics (formerly Invitae), Labcorp
Classification: Uncertain significance for Pheochromocytoma/paraganglioma syndrome 5; Mitochondrial complex II deficiency, nuclear type 1. Last evaluated: 2024-11-18. Review status: criteria provided, single submitter. Criteria: Invitae Variant Classification Sherloc (09022015). Collection method: clinical testing. Allele origin: germline.
Comment: This variant, c.1601_1603del, results in the deletion of 1 amino acid(s) of the SDHA protein (p.Glu534del), but otherwise preserves the integrity of the reading frame. This variant is not present in population databases (gnomAD no frequency). This variant has not been reported in the literature in individuals affected with SDHA-related conditions. ClinVar contains an entry for this variant (Variation ID: 966601). Experimental studies and prediction algorithms are not available or were not evaluated, and the functional significance of this variant is currently unknown. In summary, the available evidence is currently insufficient to determine the role of this variant in disease. Therefore, it has been classified as a Variant of Uncertain Significance.

Ambry Genetics
Classification: Uncertain significance for Hereditary cancer-predisposing syndrome. Last evaluated: 2023-01-04. Review status: criteria provided, single submitter. Criteria: Ambry Variant Classification Scheme 2023. Collection method: clinical testing. Allele origin: germline.
Comment: The c.1601_1603delAAG variant (also known as p.E534del) is located in coding exon 12 of the SDHA gene. This variant results from an in-frame AAG deletion at nucleotide positions 1601 to 1603. This results in the in-frame deletion of a glutamic acid at codon 534. In addition, this alteration is predicted to be deleterious by in silico analysis (Choi Y et al. PLoS ONE. 2012; 7(10):e46688). Since supporting evidence is limited at this time, the clinical significance of this alteration remains unclear.